The following is an entry in ClinVar:

ClinVar aggregate classification (germline): Uncertain significance. Review status: criteria provided, multiple submitters, no conflicts (2 of 4 stars). 2 submissions from 2 submitters: Uncertain significance (2). Last evaluated 2025-08-08.

Conditions:
Inborn genetic diseases. Identifiers: MedGen C0950123, MeSH D030342.

Allele frequency attached by ClinVar (database versions not stated): TOPMed 0.00001; ExAC 0.00008.
gnomAD v4.1: 6 of 1,369,196 alleles (0.00044%); highest among the groups gnomAD compares: Admixed American, 0.013%; no homozygotes.

Submissions (2):

Ambry Genetics
Classification: Uncertain significance for Inborn genetic diseases. Last evaluated: 2025-08-08. Review status: criteria provided, single submitter. Criteria: Ambry Variant Classification Scheme 2023. Collection method: clinical testing. Allele origin: germline.

Labcorp Genetics (formerly Invitae), Labcorp
Classification: Uncertain significance. Last evaluated: 2022-07-14. Review status: criteria provided, single submitter. Criteria: Invitae Variant Classification Sherloc (09022015). Collection method: clinical testing. Allele origin: germline.
Comment: This sequence change replaces methionine, which is neutral and non-polar, with threonine, which is neutral and polar, at codon 264 of the FOXL2 protein (p.Met264Thr). The frequency data for this variant in the population databases is considered unreliable, as metrics indicate poor data quality at this position in the gnomAD database. This variant has not been reported in the literature in individuals affected with FOXL2-related conditions. Algorithms developed to predict the effect of missense changes on protein structure and function are either unavailable or do not agree on the potential impact of this missense change (SIFT: "Deleterious"; PolyPhen-2: "Not Available"; Align-GVGD: "Class C0"). In summary, the available evidence is currently insufficient to determine the role of this variant in disease. Therefore, it has been classified as a Variant of Uncertain Significance.

NM_023067.4(FOXL2):c.791T>C (p.Met264Thr)

Gene: FOXL2 (forkhead box L2; minus strand). Cytogenetic location: 3q22.3.
Variant type: single nucleotide variant.
Coding change: c.791T>C on transcript NM_023067.4 (MANE Select); coding-DNA position 791, T replaced by C.
Protein change: p.Met264Thr; replaces methionine 264 with threonine.
Molecular consequence: missense variant.
Genome position (GRCh38, 1-based): chr3:138,945,932, A>G on the plus strand (T>C on the coding strand, the complement: FOXL2 is on the minus strand). VCF-style: chr3-138945932-A-G. GRCh37 (hg19) VCF-style: chr3-138664774-A-G.
Other names: c.791T>C (NM_023067.3); short protein forms M264T.
Identifiers: ClinVar variation 2063495 (VCV002063495.2), dbSNP rs757195166, ClinGen allele CA2639724.
Genomic context (GRCh38, chr3:138,945,932, plus strand): 5'-GGTGCGGCCGGCGGGCCTCCCAGGCCATTGTACGAGTTCACTACGCCGGGGGGCAGCGCC[A>G]TGCTCTGCACGCGTGTGTACGGCCCGTACGAGGCGGCCGGGCCCGCCAGCCCCTTGACCA-3'
Protein context (NP_075555.1, residues 254-274): SYGPYTRVQS[Met264Thr]ALPPGVVNSY